The following is an entry in ClinVar:

ClinVar aggregate classification (germline): Uncertain significance (1 of 4 stars; one submission).

Conditions:
Saldino-Mainzer syndrome (SRTD9). Also called: Renal dysplasia, retinal pigmentary dystrophy, cerebellar ataxia and skeletal dysplasia; CONORENAL SYNDROME; short-rib thoracic dysplasia 9 with or without polydactyly; SHORT-RIB THORACIC DYSPLASIA 9 WITHOUT POLYDACTYLY. Identifiers: Orphanet 140969, MedGen C1849437, MONDO:0009964, OMIM 266920.

Allele frequency attached by ClinVar (database versions not stated): gnomAD exomes below 0.00001; gnomAD 0.00001.
gnomAD v4.1: 4 of 1,591,318 alleles (0.00025%); highest among the groups gnomAD compares: Non-Finnish European, 0.00026%; no homozygotes.

Submission:

Labcorp Genetics (formerly Invitae), Labcorp
Classification: Uncertain significance for Saldino-Mainzer syndrome. Last evaluated: 2022-10-13. Review status: criteria provided, single submitter. Criteria: Invitae Variant Classification Sherloc (09022015). Collection method: clinical testing. Allele origin: germline.
Comment: This sequence change replaces histidine, which is basic and polar, with arginine, which is basic and polar, at codon 894 of the IFT140 protein (p.His894Arg). This variant is not present in population databases (gnomAD no frequency). This variant has not been reported in the literature in individuals affected with IFT140-related conditions. Advanced modeling of protein sequence and biophysical properties (such as structural, functional, and spatial information, amino acid conservation, physicochemical variation, residue mobility, and thermodynamic stability) performed at Invitae indicates that this missense variant is not expected to disrupt IFT140 protein function. In summary, the available evidence is currently insufficient to determine the role of this variant in disease. Therefore, it has been classified as a Variant of Uncertain Significance.

NM_014714.4(IFT140):c.2681A>G (p.His894Arg)

Gene: IFT140 (intraflagellar transport 140; minus strand). Cytogenetic location: 16p13.3.
Variant type: single nucleotide variant.
Coding change: c.2681A>G on transcript NM_014714.4 (MANE Select); coding-DNA position 2681, A replaced by G.
Protein change: p.His894Arg; replaces histidine 894 with arginine.
Molecular consequence: missense variant.
Genome position (GRCh38, 1-based): chr16:1,525,974, T>C on the plus strand (A>G on the coding strand, the complement: IFT140 is on the minus strand). VCF-style: chr16-1525974-T-C. GRCh37 (hg19) VCF-style: chr16-1575975-T-C.
Other names: short protein forms H894R.
Identifiers: ClinVar variation 1933562 (VCV001933562.2), dbSNP rs1318596942, ClinGen allele CA394227408.